The following is an entry in ClinVar:

ClinVar aggregate classification (germline): Uncertain significance. Review status: criteria provided, multiple submitters, no conflicts (2 of 4 stars). 2 submissions from 2 submitters: Uncertain significance (2). Last evaluated 2022-04-20.

Conditions:
Fanconi anemia (FA). Also called: Fanconi's anemia. Identifiers: Orphanet 84, MedGen C0015625, MeSH D005199, MONDO:0019391.
Spermatogenic failure 28. Identifiers: MedGen C4748117, MONDO:0054732, OMIM 618086.
Premature ovarian failure 15. Identifiers: MedGen C4748170, MONDO:0054862, OMIM 618096.

Submissions (2):

Fulgent Genetics
Classification: Uncertain significance for Spermatogenic failure 28; Premature ovarian failure 15. Last evaluated: 2022-04-20. Review status: criteria provided, single submitter. Criteria: ACMG Guidelines, 2015. Collection method: clinical testing. Allele origin: unknown.

Labcorp Genetics (formerly Invitae), Labcorp
Classification: Uncertain significance for Fanconi anemia. Last evaluated: 2019-01-01. Review status: criteria provided, single submitter. Criteria: Invitae Variant Classification Sherloc (09022015). Collection method: clinical testing. Allele origin: germline.
Comment: In summary, the available evidence is currently insufficient to determine the role of this variant in disease. Therefore, it has been classified as a Variant of Uncertain Significance. Experimental studies and prediction algorithms are not available for this variant, and the functional significance of the affected amino acid(s) is currently unknown. This variant has not been reported in the literature in individuals with FANCM-related conditions. This variant is not present in population databases (ExAC no frequency). This variant, c.3885_3887del, results in the deletion of 1 amino acid(s) of the FANCM protein (p.Ile1296del), but otherwise preserves the integrity of the reading frame.

NM_020937.4(FANCM):c.3882TAT[1] (p.Ile1296del)

Gene: FANCM (FA complementation group M; plus strand). Cytogenetic location: 14q21.2.
Variant type: Microsatellite.
Coding change: c.3882TAT[1] on transcript NM_020937.4 (MANE Select); one copy of the 3-base unit TAT starting at c.3882; the reference has two copies in a row; one copy, 3 bases deleted; also written c.3885_3887del.
Protein change: p.Ile1296del; deletes isoleucine 1296.
Molecular consequence: inframe deletion.
Genome position (GRCh38, 1-based): chr14:45,176,639-45,176,641, TAT deleted; deleting any 3 consecutive bases within chr14:45,176,635-45,176,641 gives the same sequence; the position shown is the placement nearest the transcript's 3' end. VCF-style (leftmost placement, unchanged base first): chr14-45176634-GTTA-G. GRCh37 (hg19) VCF-style: chr14-45645837-GTTA-G.
Other names: c.3804TAT[1], p.Ile1270del (NM_001308133.2); c.3885_3887del (NM_020937.4); short protein forms I1270del, I1296del.
Identifiers: ClinVar variation 861356 (VCV000861356.10), dbSNP rs1312125043, ClinGen allele CA614273472.